The following is an entry in ClinVar:

NM_004448.4(ERBB2):c.2614A>G (p.Ile872Val)

Gene: ERBB2 (erb-b2 receptor tyrosine kinase 2; plus strand). Cytogenetic location: 17q12.
Variant type: single nucleotide variant.
Coding change: c.2614A>G on transcript NM_004448.4 (MANE Select); coding-DNA position 2614, A replaced by G.
Protein change: p.Ile872Val; replaces isoleucine 872 with valine.
Molecular consequence: missense variant. On other transcripts: non-coding transcript variant (1), intron variant (3).
Genome position (GRCh38, 1-based): chr17:39,725,169, A>G. VCF-style: chr17-39725169-A-G. GRCh37 (hg19) VCF-style: chr17-37881422-A-G.
Other names: c.2524A>G, p.Ile842Val (NM_001005862.3, NM_001382782.1, NM_001382783.1); c.2569A>G, p.Ile857Val (NM_001289936.2); c.2614A>G, p.Ile872Val (NM_001289937.2, NM_001382796.1); c.2731A>G, p.Ile911Val (NM_001382784.1); c.2716A>G, p.Ile906Val (NM_001382785.1); c.2695A>G, p.Ile899Val (NM_001382786.1); c.2689A>G, p.Ile897Val (NM_001382787.1); c.2644A>G, p.Ile882Val (NM_001382788.1); and 15 more; short protein forms I526V, I596V, I857V, I869V, I882V, I911V, I812V, I839V.
Identifiers: ClinVar variation 2888437 (VCV002888437.3), dbSNP rs371081280, ClinGen allele CA8534335.
Genomic context (GRCh38, chr17:39,725,169, plus strand): 5'-CTGGTCAAGAGTCCCAACCATGTCAAAATTACAGACTTCGGGCTGGCTCGGCTGCTGGAC[A>G]TTGACGAGACAGAGTACCATGCAGATGGGGGCAAGGTTAGGTGAAGGACCAAGGAGCAGA-3'
Protein context (NP_004439.2, residues 862-882): TDFGLARLLD[Ile872Val]DETEYHADGG

ClinVar aggregate classification (germline): Uncertain significance (1 of 4 stars; one submission).

Allele frequency attached by ClinVar (database versions not stated): ESP Exome Variant Server 0.00015.

Submission:

Labcorp Genetics (formerly Invitae), Labcorp
Classification: Uncertain significance. Last evaluated: 2022-12-22. Review status: criteria provided, single submitter. Criteria: Invitae Variant Classification Sherloc (09022015). Collection method: clinical testing. Allele origin: germline.
Comment: In summary, the available evidence is currently insufficient to determine the role of this variant in disease. Therefore, it has been classified as a Variant of Uncertain Significance. Advanced modeling of protein sequence and biophysical properties (such as structural, functional, and spatial information, amino acid conservation, physicochemical variation, residue mobility, and thermodynamic stability) performed at Invitae indicates that this missense variant is not expected to disrupt ERBB2 protein function. This variant has not been reported in the literature in individuals affected with ERBB2-related conditions. This variant is present in population databases (rs371081280, gnomAD 0.007%). This sequence change replaces isoleucine, which is neutral and non-polar, with valine, which is neutral and non-polar, at codon 872 of the ERBB2 protein (p.Ile872Val).